The following is an entry in ClinVar:

ClinVar aggregate classification (germline): Uncertain significance (1 of 4 stars; one submission).

Conditions:
Evans syndrome, immunodeficiency, and premature immunosenescence associated with tripeptidyl-peptidase II deficiency. Identifiers: MedGen CN231723. Disease mechanism: loss of function.

Allele frequency attached by ClinVar (database versions not stated): gnomAD exomes 0.00001; TOPMed 0.00001; ExAC 0.00002.
gnomAD v4.1: 8 of 1,613,964 alleles (0.0005%); highest among the groups gnomAD compares: Non-Finnish European, 0.00068%; no homozygotes.

Submission:

Labcorp Genetics (formerly Invitae), Labcorp
Classification: Uncertain significance for Evans syndrome, immunodeficiency, and premature immunosenescence associated with tripeptidyl-peptidase II deficiency. Last evaluated: 2022-12-21. Review status: criteria provided, single submitter. Criteria: Invitae Variant Classification Sherloc (09022015). Collection method: clinical testing. Allele origin: germline.
Comment: This sequence change replaces glutamine, which is neutral and polar, with arginine, which is basic and polar, at codon 862 of the TPP2 protein (p.Gln862Arg). This variant is present in population databases (rs747054308, gnomAD 0.002%). This variant has not been reported in the literature in individuals affected with TPP2-related conditions. Algorithms developed to predict the effect of missense changes on protein structure and function (SIFT, PolyPhen-2, Align-GVGD) all suggest that this variant is likely to be tolerated. In summary, the available evidence is currently insufficient to determine the role of this variant in disease. Therefore, it has been classified as a Variant of Uncertain Significance.

NM_001330588.2(TPP2):c.2585A>G (p.Gln862Arg)

Gene: TPP2 (tripeptidyl peptidase 2; plus strand). Cytogenetic location: 13q33.1.
Variant type: single nucleotide variant.
Coding change: c.2585A>G on transcript NM_001330588.2 (MANE Select); coding-DNA position 2585, A replaced by G.
Protein change: p.Gln862Arg; replaces glutamine 862 with arginine.
Molecular consequence: missense variant. On other transcripts: non-coding transcript variant (1).
Genome position (GRCh38, 1-based): chr13:102,647,301, A>G. VCF-style: chr13-102647301-A-G. GRCh37 (hg19) VCF-style: chr13-103299651-A-G.
Other names: c.2585A>G, p.Gln862Arg (NM_001367947.1, NM_003291.4); short protein forms Q862R.
Identifiers: ClinVar variation 2822970 (VCV002822970.3), dbSNP rs747054308, ClinGen allele CA7038042.